The following is an entry in ClinVar:

ClinVar aggregate classification (germline): Uncertain significance (1 of 4 stars; one submission).

Conditions:
Hereditary spastic paraplegia 11. Also called: SPASTIC PARAPLEGIA, AUTOSOMAL RECESSIVE, COMPLICATED, WITH THIN CORPUS CALLOSUM; SPASTIC PARAPLEGIA, AUTOSOMAL RECESSIVE, WITH MENTAL IMPAIRMENT AND THIN CORPUS CALLOSUM; Spastic Paraplegia 11; Nakamura Osame syndrome; Autosomal recessive hereditary spastic paraplegia, mental impairment, and thin corpus callosum; Spastic paraplegia, mental retardation and thin corpus callosum. Identifiers: Orphanet 2822, MedGen C1858479, MONDO:0011445, OMIM 604360.

Submission:

Labcorp Genetics (formerly Invitae), Labcorp
Classification: Uncertain significance for Spastic paraplegia 11, autosomal recessive. Last evaluated: 2019-04-25. Review status: criteria provided, single submitter. Criteria: Invitae Variant Classification Sherloc (09022015). Collection method: clinical testing. Allele origin: germline.
Comment: This sequence change affects the initiator methionine of the SPG11 mRNA. The next in-frame methionine is located at codon 22. This variant is not present in population databases (ExAC no frequency). This variant has not been reported in the literature in individuals with SPG11-related conditions. Experimental studies and prediction algorithms are not available for this variant, and the functional significance of the affected amino acid(s) is currently unknown. In summary, the available evidence is currently insufficient to determine the role of this variant in disease. Therefore, it has been classified as a Variant of Uncertain Significance.

NM_025137.4(SPG11):c.1A>T (p.Met1Leu)

Gene: SPG11 (SPG11 vesicle trafficking associated, spatacsin; minus strand). Cytogenetic location: 15q21.1.
Variant type: single nucleotide variant.
Coding change: c.1A>T on transcript NM_025137.4 (MANE Select); coding-DNA position 1, A replaced by T.
Protein change: p.Met1Leu; changes the start codon (methionine 1).
Molecular consequence: missense variant, initiator codon variant.
Genome position (GRCh38, 1-based): chr15:44,663,647, T>A on the plus strand (A>T on the coding strand, the complement: SPG11 is on the minus strand). VCF-style: chr15-44663647-T-A. GRCh37 (hg19) VCF-style: chr15-44955845-T-A.
Other names: c.1A>T, p.Met1Leu (NM_001160227.2); short protein forms M1L.
Identifiers: ClinVar variation 864400 (VCV000864400.2), dbSNP rs2085195132, ClinGen allele CA392238965.
Genomic context (GRCh38, chr15:44,663,647, plus strand): 5'-CCGCGGTGCCCCAGCTACCGCCGGCGGAAGCAGCACTCGCGACCCCTTCCTCTGCAGCCA[T>A]CTTGGCCCGGCGGTTACTTCCGGTCACTTTCGCCGGAACCTGACTGCGTCGTGGGCATGC-3'
Protein context (NP_079413.3, residues 1-11): [Met1Leu]AAEEGVASAA